The following is an entry in ClinVar:

ClinVar aggregate classification (germline): Uncertain significance. Review status: criteria provided, multiple submitters, no conflicts (2 of 4 stars). 2 submissions from 2 submitters: Uncertain significance (2). Last evaluated 2024-01-19.

Allele frequency attached by ClinVar (database versions not stated): TOPMed below 0.00001.
gnomAD v4.1: 1 of 1,611,200 alleles (0.000062%); highest among the groups gnomAD compares: Non-Finnish European, 0.000085%; no homozygotes.

Submissions (2):

Labcorp Genetics (formerly Invitae), Labcorp
Classification: Uncertain significance. Last evaluated: 2024-01-19. Review status: criteria provided, single submitter. Criteria: Invitae Variant Classification Sherloc (09022015). Collection method: clinical testing. Allele origin: germline.
Comment: This sequence change replaces arginine, which is basic and polar, with lysine, which is basic and polar, at codon 232 of the ASRGL1 protein (p.Arg232Lys). This variant is present in population databases (no rsID available, gnomAD 0.0009%). This variant has not been reported in the literature in individuals affected with ASRGL1-related conditions. ClinVar contains an entry for this variant (Variation ID: 2271289). An algorithm developed to predict the effect of missense changes on protein structure and function (PolyPhen-2) suggests that this variant is likely to be disruptive. In summary, the available evidence is currently insufficient to determine the role of this variant in disease. Therefore, it has been classified as a Variant of Uncertain Significance.

Ambry Genetics
Classification: Uncertain significance. Last evaluated: 2022-01-10. Review status: criteria provided, single submitter. Criteria: Ambry Variant Classification Scheme 2023. Collection method: clinical testing. Allele origin: germline.

NM_001083926.2(ASRGL1):c.695G>A (p.Arg232Lys)

Gene: ASRGL1 (asparaginase and isoaspartyl peptidase 1; plus strand). Cytogenetic location: 11q12.3.
Variant type: single nucleotide variant.
Coding change: c.695G>A on transcript NM_001083926.2 (MANE Select); coding-DNA position 695, G replaced by A.
Protein change: p.Arg232Lys; replaces arginine 232 with lysine.
Molecular consequence: missense variant.
Genome position (GRCh38, 1-based): chr11:62,391,606, G>A. VCF-style: chr11-62391606-G-A. GRCh37 (hg19) VCF-style: chr11-62159078-G-A.
Other names: c.695G>A, p.Arg232Lys (NM_025080.4); short protein forms R232K.
Identifiers: ClinVar variation 2271289 (VCV002271289.5), dbSNP rs1033760994, ClinGen allele CA223039611.